The following is an entry in ClinVar:

ClinVar aggregate classification (germline): Uncertain significance (1 of 4 stars; one submission).

Conditions:
Myopathy, centronuclear, 2 (CNM2). Also called: MYOTUBULAR MYOPATHY, AUTOSOMAL RECESSIVE. Identifiers: Orphanet 169186, MedGen CN031787, MONDO:0009709, OMIM 255200.

Submission:

Labcorp Genetics (formerly Invitae), Labcorp
Classification: Uncertain significance for Myopathy, centronuclear, 2. Last evaluated: 2020-01-01. Review status: criteria provided, single submitter. Criteria: Invitae Variant Classification Sherloc (09022015). Collection method: clinical testing. Allele origin: germline.
Comment: This sequence change replaces lysine with asparagine at codon 28 of the BIN1 protein (p.Lys28Asn). The lysine residue is moderately conserved and there is a moderate physicochemical difference between lysine and asparagine. This variant also falls at the last nucleotide of exon 1 of the BIN1 coding sequence, which is part of the consensus splice site for this exon. In summary, the available evidence is currently insufficient to determine the role of this variant in disease. Therefore, it has been classified as a Variant of Uncertain Significance. Nucleotide substitutions within the consensus splice site are a relatively common cause of aberrant splicing (PMID: 17576681, 9536098). Algorithms developed to predict the effect of sequence changes on RNA splicing suggest that this variant may disrupt the consensus splice site, but this prediction has not been confirmed by published transcriptional studies. Algorithms developed to predict the effect of missense changes on protein structure and function are either unavailable or do not agree on the potential impact of this missense change (SIFT: "Deleterious"; PolyPhen-2: "Possibly Damaging"; Align-GVGD: "Class C0"). This variant has not been reported in the literature in individuals with BIN1-related conditions. This variant is not present in population databases (ExAC no frequency).

Literature cited by the submitters: PubMed 17576681; PubMed 9536098.

NM_139343.3(BIN1):c.84G>C (p.Lys28Asn)

Gene: BIN1 (bridging integrator 1; minus strand). Cytogenetic location: 2q14.3.
Variant type: single nucleotide variant.
Coding change: c.84G>C on transcript NM_139343.3 (MANE Select); coding-DNA position 84, G replaced by C.
Protein change: p.Lys28Asn; replaces lysine 28 with asparagine.
Molecular consequence: missense variant.
Genome position (GRCh38, 1-based): chr2:127,106,860, C>G on the plus strand (G>C on the coding strand, the complement: BIN1 is on the minus strand). VCF-style: chr2-127106860-C-G. GRCh37 (hg19) VCF-style: chr2-127864436-C-G.
Other names: c.84G>C, p.Lys28Asn (NM_001320632.2, NM_001320633.2, NM_001320640.2 and 10 more transcripts); short protein forms K28N.
Identifiers: ClinVar variation 1043903 (VCV001043903.9), dbSNP rs1681229622, ClinGen allele CA348376047.